The following is an entry in ClinVar:

NM_005121.3(MED13):c.1265C>T (p.Thr422Ile)

Gene: MED13 (mediator complex subunit 13; minus strand). Cytogenetic location: 17q23.2.
Variant type: single nucleotide variant.
Coding change: c.1265C>T on transcript NM_005121.3 (MANE Select); coding-DNA position 1265, C replaced by T.
Protein change: p.Thr422Ile; replaces threonine 422 with isoleucine.
Molecular consequence: missense variant.
Genome position (GRCh38, 1-based): chr17:62,029,559, G>A on the plus strand (C>T on the coding strand, the complement: MED13 is on the minus strand). VCF-style: chr17-62029559-G-A. GRCh37 (hg19) VCF-style: chr17-60106920-G-A.
Other names: short protein forms T422I.
Identifiers: ClinVar variation 4535532 (VCV004535532.1).
Genomic context (GRCh38, chr17:62,029,559, plus strand): 5'-AACTATCACACATAGGCATCAATCGATCGGGAAATAATCTACCTCAAACAACTGCAATTT[G>A]TTCTTTGTGTGGCTTCAACAAAATCCCAGGATGCCACTTTAGCAGCTGTCGCTTCTTCGC-3'
Protein context (NP_005112.2, residues 412-432): SWDFVEATQR[Thr422Ile]NCSCLRHKNL

ClinVar aggregate classification (germline): Uncertain significance (1 of 4 stars; one submission).

gnomAD v4.1: 1 of 1,613,946 alleles (0.000062%); highest among the groups gnomAD compares: Non-Finnish European, 0.000085%; no homozygotes.

Submission:

Women's Health and Genetics/Laboratory Corporation of America, LabCorp
Classification: Uncertain significance. Last evaluated: 2025-09-15. Review status: criteria provided, single submitter. Criteria: LabCorp Variant Classification Summary - May 2015. Collection method: clinical testing. Allele origin: germline.
Comment: Variant summary: MED13 c.1265C>T (p.Thr422Ile) results in a non-conservative amino acid change in the encoded protein sequence. Algorithms developed to predict the effect of missense changes on protein structure and function are either unavailable or do not agree on the potential impact of this missense change. The variant was absent in 249488 control chromosomes. The available data on variant occurrences in the general population are insufficient to allow any conclusion about variant significance. To our knowledge, no occurrence of c.1265C>T in individuals affected with MED13-related conditions and no experimental evidence demonstrating its impact on protein function have been reported. No submitters have cited clinical-significance assessments for this variant to ClinVar. Based on the evidence outlined above, the variant was classified as uncertain significance.